The following is an entry in ClinVar:

ClinVar aggregate classification (germline): Benign. Review status: criteria provided, multiple submitters, no conflicts (2 of 4 stars). 2 submissions from 2 submitters: Benign (2). Last evaluated 2018-01-12.

Conditions:
Vitamin K-dependent clotting factors, combined deficiency of, type 1. Also called: FACTORS II, VII, IX, AND X, COMBINED DEFICIENCY OF; FAMILIAL MULTIPLE COAGULATION FACTOR DEFICIENCY III; FMFD III; GLUTAMIC ACID, DEFICIENT GAMMA-CARBOXYLATION OF; MULTIPLE COAGULATION FACTOR DEFICIENCY III; VITAMIN K-DEPENDENT COAGULATION DEFECT. Identifiers: Orphanet 98434, MedGen C1848534, MONDO:0010187, OMIM 277450.

Allele frequency attached by ClinVar (database versions not stated): gnomAD 0.11064 and 0.11260; TOPMed 0.11280; 1000 Genomes Project 0.11881; 1000 Genomes Project 30x 0.11883.

Submissions (2):

Illumina Laboratory Services, Illumina
Classification: Benign for Vitamin K-dependent clotting factors, combined deficiency of, type 1. Last evaluated: 2018-01-12. Review status: criteria provided, single submitter. Criteria: ICSL Variant Classification Criteria 13 December 2019. Collection method: clinical testing. Allele origin: germline.
Comment: This variant was observed in the ICSL laboratory as part of a predisposition screen in an ostensibly healthy population. It had not been previously curated by ICSL or reported in the Human Gene Mutation Database (HGMD: prior to June 1st, 2018), and was therefore a candidate for classification through an automated scoring system. Utilizing variant allele frequency, disease prevalence and penetrance estimates, and inheritance mode, an automated score was calculated to assess if this variant is too frequent to cause the disease. Based on the score and internal cut-off values, a variant classified as benign is not then subjected to further curation. The score for this variant resulted in a classification of benign for this disease.

Breakthrough Genomics
Classification: Benign. Review status: criteria provided, single submitter. Criteria: ACMG Guidelines, 2015. Collection method: not provided. Allele origin: germline. Inheritance: Autosomal recessive inheritance. Affected: yes.

NM_000821.7(GGCX):c.*1049T>A

Gene: GGCX (gamma-glutamyl carboxylase; minus strand). Cytogenetic location: 2p11.2.
Variant type: single nucleotide variant.
Coding change: c.*1049T>A on transcript NM_000821.7 (MANE Select); 1049 bases downstream of the stop codon, T replaced by A.
Molecular consequence: 3 prime UTR variant.
Genome position (GRCh38, 1-based): chr2:85,548,885, A>T on the plus strand (T>A on the coding strand, the complement: GGCX is on the minus strand). VCF-style: chr2-85548885-A-T. GRCh37 (hg19) VCF-style: chr2-85776008-A-T.
Other names: c.*1049T>A (NM_001142269.4).
Identifiers: ClinVar variation 337232 (VCV000337232.6), dbSNP rs13406935, ClinGen allele CA10614046.